The following is an entry in ClinVar:

ClinVar aggregate classification (germline): Likely benign (1 of 4 stars; one submission).

gnomAD v4.1: 12 of 1,273,808 alleles (0.00094%); highest among the groups gnomAD compares: South Asian, 0.0033%; no homozygotes.

Submission:

CeGaT Center for Human Genetics Tuebingen
Classification: Likely benign. Last evaluated: 2024-12-01. Review status: criteria provided, single submitter. Criteria: CeGaT Center For Human Genetics Tuebingen Variant Classification Criteria Version 2. Collection method: clinical testing. Allele origin: germline. Affected: yes. Observed: 1 variant allele.
Comment: ANO8: BP4, BP7

NM_020959.3(ANO8):c.3627C>G (p.Leu1209=)

Gene: ANO8 (anoctamin 8; minus strand). Cytogenetic location: 19p13.11.
Variant type: single nucleotide variant.
Coding change: c.3627C>G on transcript NM_020959.3 (MANE Select); coding-DNA position 3627, C replaced by G.
Protein change: p.Leu1209=; no amino-acid change (leucine 1209 retained).
Molecular consequence: synonymous variant.
Genome position (GRCh38, 1-based): chr19:17,323,589, G>C on the plus strand (C>G on the coding strand, the complement: ANO8 is on the minus strand). VCF-style: chr19-17323589-G-C. GRCh37 (hg19) VCF-style: chr19-17434398-G-C.
Identifiers: ClinVar variation 3772064 (VCV003772064.13).
Genomic context (GRCh38, chr19:17,323,589, plus strand): 5'-GCTGGGCCAGCACACGGCCTGGGGGCTGGGGCTGGGGCTAGGGGAGGGCGCTGGGGTCTC[G>C]AGGGGATCCGAGGTGGGCGGTAGCGGTGGGGGCGGGAGGCTGTAAAAGCTGGCGTCTCCC-3'
Protein context (NP_066010.1, residues 1199-1219): PPPLPPTSDP[Leu1209=]ETPAPSPSPS